The following is an entry in ClinVar:

NM_004260.4(RECQL4):c.3331G>T (p.Glu1111Ter)

Gene: RECQL4 (RecQ like helicase 4; minus strand). Cytogenetic location: 8q24.3.
Variant type: single nucleotide variant.
Coding change: c.3331G>T on transcript NM_004260.4 (MANE Select); coding-DNA position 3331, G replaced by T.
Protein change: p.Glu1111Ter; replaces glutamic acid 1111 with a stop codon.
Molecular consequence: nonsense.
Genome position (GRCh38, 1-based): chr8:144,511,973, C>A on the plus strand (G>T on the coding strand, the complement: RECQL4 is on the minus strand). VCF-style: chr8-144511973-C-A. GRCh37 (hg19) VCF-style: chr8-145737356-C-A.
Other names: short protein forms E1111*.
Identifiers: ClinVar variation 1069990 (VCV001069990.5), dbSNP rs1331348912, ClinGen allele CA372668562.

ClinVar aggregate classification (germline): Pathogenic (1 of 4 stars; one submission).

Conditions:
Baller-Gerold syndrome (BGS). Also called: CRANIOSYNOSTOSIS WITH RADIAL DEFECTS. Identifiers: Orphanet 1225, MedGen C0265308, MONDO:0009039, OMIM 218600.

Submission:

Labcorp Genetics (formerly Invitae), Labcorp
Classification: Pathogenic for Baller-Gerold syndrome. Last evaluated: 2020-12-03. Review status: criteria provided, single submitter. Criteria: Invitae Variant Classification Sherloc (09022015). Collection method: clinical testing. Allele origin: germline.
Comment: For these reasons, this variant has been classified as Pathogenic. This variant has not been reported in the literature in individuals with RECQL4-related conditions. This variant is not present in population databases (ExAC no frequency). This sequence change creates a premature translational stop signal (p.Glu1111*) in the RECQL4 gene. It is expected to result in an absent or disrupted protein product. Loss-of-function variants in RECQL4 are known to be pathogenic (PMID: 12734318, 12952869).

Literature cited by the submitters: PubMed 12734318; PubMed 12952869.